The following is an entry in ClinVar:

ClinVar aggregate classification (germline): Uncertain significance (1 of 4 stars; one submission).

Conditions:
Epilepsy, progressive myoclonic, 1B. Also called: PME. Identifiers: Orphanet 308, MedGen C2676254, MONDO:0012904, OMIM 612437.

Allele frequency attached by ClinVar (database versions not stated): gnomAD exomes below 0.00001 and 0.00001; ExAC 0.00002.
gnomAD v4.1: 3 of 1,614,128 alleles (0.00019%); highest among the groups gnomAD compares: South Asian, 0.0022%; no homozygotes.

Submission:

Labcorp Genetics (formerly Invitae), Labcorp
Classification: Uncertain significance for Epilepsy, progressive myoclonic, 1B. Last evaluated: 2024-11-18. Review status: criteria provided, single submitter. Criteria: Invitae Variant Classification Sherloc (09022015). Collection method: clinical testing. Allele origin: germline.
Comment: This sequence change replaces glutamic acid, which is acidic and polar, with glycine, which is neutral and non-polar, at codon 403 of the PRICKLE1 protein (p.Glu403Gly). This variant is present in population databases (rs367941464, gnomAD 0.006%). This variant has not been reported in the literature in individuals affected with PRICKLE1-related conditions. ClinVar contains an entry for this variant (Variation ID: 1025395). Invitae Evidence Modeling of protein sequence and biophysical properties (such as structural, functional, and spatial information, amino acid conservation, physicochemical variation, residue mobility, and thermodynamic stability) indicates that this missense variant is not expected to disrupt PRICKLE1 protein function with a negative predictive value of 80%. In summary, the available evidence is currently insufficient to determine the role of this variant in disease. Therefore, it has been classified as a Variant of Uncertain Significance.

NM_153026.3(PRICKLE1):c.1208A>G (p.Glu403Gly)

Genes: PRICKLE1 (prickle planar cell polarity protein 1; minus strand), LOC126861509 (BRD4-independent group 4 enhancer GRCh37_chr12:42858567-42859766; plus strand). Cytogenetic location: 12q12.
Variant type: single nucleotide variant.
Coding change: c.1208A>G on transcript NM_153026.3 (MANE Select); coding-DNA position 1208, A replaced by G.
Protein change: p.Glu403Gly; replaces glutamic acid 403 with glycine.
Molecular consequence: missense variant.
Genome position (GRCh38, 1-based): chr12:42,464,826, T>C on the plus strand (A>G on the coding strand, the complement: PRICKLE1 is on the minus strand). VCF-style: chr12-42464826-T-C. GRCh37 (hg19) VCF-style: chr12-42858628-T-C.
Other names: c.1208A>G, p.Glu403Gly (NM_001144881.2, NM_001144882.2, NM_001144883.2); short protein forms E403G.
Identifiers: ClinVar variation 1025395 (VCV001025395.5), dbSNP rs367941464, ClinGen allele CA6519787.